The following is an entry in ClinVar:

NM_000059.4(BRCA2):c.7397T>G (p.Val2466Gly)

Gene: BRCA2 (BRCA2 DNA repair associated; plus strand). Cytogenetic location: 13q13.1.
Variant type: single nucleotide variant.
Coding change: c.7397T>G on transcript NM_000059.4 (MANE Select); coding-DNA position 7397, T replaced by G.
Protein change: p.Val2466Gly; replaces valine 2466 with glycine.
Molecular consequence: missense variant. On other transcripts: non-coding transcript variant (1).
Genome position (GRCh38, 1-based): chr13:32,355,250, T>G. VCF-style: chr13-32355250-T-G. GRCh37 (hg19) VCF-style: chr13-32929387-T-G.
Other names: c.7301T>G, p.Val2434Gly (NM_001406719.1); c.7397T>G, p.Val2466Gly (NM_001406720.1, NM_001432077.1); c.2465T>G, p.Val822Gly (NM_001406721.1); c.980T>G, p.Val327Gly (NM_001406722.1); short protein forms A2466G, V2434G, V2466G, V327G, V822G.
Identifiers: ClinVar variation 4802341 (VCV004802341.1).
Genomic context (GRCh38, chr13:32,355,250, plus strand): 5'-AAAATAAGATTAATGACAATGAGATTCATCAGTTTAACAAAAACAACTCCAATCAAGCAG[T>G]AGCTGTAACTTTCACAAAGTGTGAAGAAGAACCTTTAGGTATTGTATGACAATTTGTGTG-3'
Protein context (NP_000050.3, residues 2456-2476): QFNKNNSNQA[Val2466Gly]AVTFTKCEEE

ClinVar aggregate classification (germline): Uncertain significance (1 of 4 stars; one submission).

Conditions:
Hereditary breast ovarian cancer syndrome. Also called: Hereditary breast and ovarian cancer syndrome (HBOC); Hereditary breast and ovarian cancer; Breast and ovarian cancer; Hereditary breast and/or ovarian cancer syndrome; BRCA1- and BRCA2-Associated Hereditary Breast and Ovarian Cancer; Hereditary breast and ovarian cancer syndrome. Identifiers: Orphanet 145, MedGen C0677776, MeSH D061325, MONDO:0003582. Disease mechanism: loss of function.

Submission:

Labcorp Genetics (formerly Invitae), Labcorp
Classification: Uncertain significance for Hereditary breast ovarian cancer syndrome. Last evaluated: 2025-12-24. Review status: criteria provided, single submitter. Criteria: Invitae Variant Classification Sherloc (09022015). Collection method: clinical testing. Allele origin: germline.
Comment: This sequence change replaces alanine, which is neutral and non-polar, with glycine, which is neutral and non-polar, at codon 2466 of the BRCA2 protein (p.Ala2466Gly). This variant is not present in population databases (gnomAD no frequency). This variant has not been reported in the literature in individuals affected with BRCA2-related conditions. Experimental studies and prediction algorithms are not available or were not evaluated, and the functional significance of this variant is currently unknown. In summary, the available evidence is currently insufficient to determine the role of this variant in disease. Therefore, it has been classified as a Variant of Uncertain Significance.